The following is an entry in ClinVar:

ClinVar aggregate classification (germline): Likely benign (1 of 4 stars; one submission).

Allele frequency attached by ClinVar (database versions not stated): TOPMed 0.01510; ESP Exome Variant Server 0.01622; 1000 Genomes Project 0.01737; 1000 Genomes Project 30x 0.01827.
gnomAD v4.1: 4,161 of 1,596,966 alleles (0.26%); highest among the groups gnomAD compares: African/African-American, 4.6%; 75 homozygotes.

Submission:

GeneDx
Classification: Likely benign. Last evaluated: 2021-05-24. Review status: criteria provided, single submitter. Criteria: GeneDx Variant Classification Process June 2021. Collection method: clinical testing. Allele origin: germline. Affected: yes.
Comment: See Variant Classification Assertion Criteria.

NM_021147.5(CCNO):c.*52C>G

Gene: CCNO (cyclin O; minus strand). Cytogenetic location: 5q11.2.
Variant type: single nucleotide variant.
Coding change: c.*52C>G on transcript NM_021147.5 (MANE Select); 52 bases downstream of the stop codon, C replaced by G.
Molecular consequence: 3 prime UTR variant. On other transcripts: non-coding transcript variant (3).
Genome position (GRCh38, 1-based): chr5:55,231,323, G>C on the plus strand (C>G on the coding strand, the complement: CCNO is on the minus strand). VCF-style: chr5-55231323-G-C. GRCh37 (hg19) VCF-style: chr5-54527151-G-C.
Identifiers: ClinVar variation 3252279 (VCV003252279.1), dbSNP rs114847312.